The following is an entry in ClinVar:

NM_000834.5(GRIN2B):c.251G>C (p.Arg84Pro)

Gene: GRIN2B (glutamate ionotropic receptor NMDA type subunit 2B; minus strand). Cytogenetic location: 12p13.1.
Variant type: single nucleotide variant.
Coding change: c.251G>C on transcript NM_000834.5 (MANE Select); coding-DNA position 251, G replaced by C.
Protein change: p.Arg84Pro; replaces arginine 84 with proline.
Molecular consequence: missense variant.
Genome position (GRCh38, 1-based): chr12:13,865,958, C>G on the plus strand (G>C on the coding strand, the complement: GRIN2B is on the minus strand). VCF-style: chr12-13865958-C-G. GRCh37 (hg19) VCF-style: chr12-14018892-C-G.
Other names: c.251G>C, p.Arg84Pro (NM_001413992.1, NM_001413993.1, NM_001413994.1 and 1 more transcripts); c.251G>C (NM_000834.3); short protein forms R84P.
Identifiers: ClinVar variation 2954067 (VCV002954067.4), dbSNP rs778695605, ClinGen allele CA384054239.

ClinVar aggregate classification (germline): Uncertain significance. Review status: criteria provided, multiple submitters, no conflicts (2 of 4 stars). 2 submissions from 2 submitters: Uncertain significance (2). Last evaluated 2024-03-05.

Conditions:
Intellectual developmental disorder, autosomal dominant 6, with or without seizures. Also called: GRIN2B-related developmental delay, intellectual disability and autism spectrum disorder; Intellectual disability, autosomal dominant 6. Identifiers: Orphanet 589547, MedGen C3151411, MONDO:0013509, OMIM 613970.
Developmental and epileptic encephalopathy, 27 (DEE27). Also called: Epileptic encephalopathy, early infantile, 27; GRIN2B-Related Neurodevelopmental Disorder. Identifiers: Orphanet 3451, MedGen C4015316, MONDO:0014505, OMIM 616139.

gnomAD v4.1: 1 of 1,614,016 alleles (0.000062%); highest among the groups gnomAD compares: Non-Finnish European, 0.000085%; no homozygotes.

Submissions (2):

GeneDx
Classification: Uncertain significance. Last evaluated: 2024-03-05. Review status: criteria provided, single submitter. Criteria: GeneDx Variant Classification Process June 2021. Collection method: clinical testing. Allele origin: germline. Affected: yes.
Comment: Not observed at significant frequency in large population cohorts (gnomAD); In silico analysis supports that this missense variant has a deleterious effect on protein structure/function; Has not been previously published as pathogenic or benign to our knowledge

Labcorp Genetics (formerly Invitae), Labcorp
Classification: Uncertain significance for Developmental and epileptic encephalopathy, 27; Intellectual developmental disorder, autosomal dominant 6, with or without seizures. Last evaluated: 2023-11-20. Review status: criteria provided, single submitter. Criteria: Invitae Variant Classification Sherloc (09022015). Collection method: clinical testing. Allele origin: germline.
Comment: This sequence change replaces arginine, which is basic and polar, with proline, which is neutral and non-polar, at codon 84 of the GRIN2B protein (p.Arg84Pro). This variant is not present in population databases (gnomAD no frequency). This variant has not been reported in the literature in individuals affected with GRIN2B-related conditions. Advanced modeling of protein sequence and biophysical properties (such as structural, functional, and spatial information, amino acid conservation, physicochemical variation, residue mobility, and thermodynamic stability) has been performed at Invitae for this missense variant, however the output from this modeling did not meet the statistical confidence thresholds required to predict the impact of this variant on GRIN2B protein function. In summary, the available evidence is currently insufficient to determine the role of this variant in disease. Therefore, it has been classified as a Variant of Uncertain Significance.